The following is an entry in ClinVar:

NM_000455.5(STK11):c.291-10T>C

Gene: STK11 (serine/threonine kinase 11; plus strand). Cytogenetic location: 19p13.3.
Variant type: single nucleotide variant.
Coding change: c.291-10T>C on transcript NM_000455.5 (MANE Select); 10 bases into the intron before coding-DNA position 291, T replaced by C.
Molecular consequence: intron variant.
Genome position (GRCh38, 1-based): chr19:1,218,407, T>C. VCF-style: chr19-1218407-T-C. GRCh37 (hg19) VCF-style: chr19-1218406-T-C.
Other names: c.291-10T>C (NM_001407255.1).
Identifiers: ClinVar variation 3903598 (VCV003903598.1).

ClinVar aggregate classification (germline): Likely benign (1 of 4 stars; one submission).

Conditions:
Peutz-Jeghers syndrome (PJS). Also called: POLYPOSIS, HAMARTOMATOUS INTESTINAL; POLYPS-AND-SPOTS SYNDROME; Peutz-Jeghers polyposis; Periorificial lentiginosis syndrome. Identifiers: Orphanet 2869, MedGen C0031269, MeSH D010580, MONDO:0008280, OMIM 175200.

Submission:

Myriad Genetics, Inc.
Classification: Likely benign for Peutz-Jeghers syndrome. Last evaluated: 2025-03-25. Review status: criteria provided, single submitter. Criteria: Myriad Autosomal Dominant, Autosomal Recessive and X-Linked Classification Criteria (2023). Collection method: clinical testing. Allele origin: unknown.
Comment: This variant is considered likely benign. This variant is intronic and is not expected to impact mRNA splicing.